The following is an entry in ClinVar:

ClinVar aggregate classification (germline): Conflicting classifications of pathogenicity. Review status: criteria provided, conflicting classifications (1 of 4 stars). 2 submissions from 2 submitters: Uncertain significance (1); Likely benign (1). Last evaluated 2023-03-23.

Conditions:
Hereditary cancer-predisposing syndrome. Also called: Neoplastic Syndromes, Hereditary; Tumor predisposition; Hereditary neoplastic syndrome; Hereditary Cancer Syndrome. Identifiers: Orphanet 140162, MedGen C0027672, MeSH D009386, MONDO:0015356.
Hereditary breast ovarian cancer syndrome. Also called: BRCA1- and BRCA2-Associated Hereditary Breast and Ovarian Cancer; Hereditary breast and ovarian cancer; Hereditary breast and ovarian cancer syndrome; Hereditary breast and ovarian cancer syndrome (HBOC); Breast and ovarian cancer; Hereditary breast and/or ovarian cancer syndrome. Identifiers: Orphanet 145, MedGen C0677776, MeSH D061325, MONDO:0003582. Disease mechanism: loss of function.

Submissions (2):

University of Washington Department of Laboratory Medicine, University of Washington
Classification: Likely benign for Hereditary cancer-predisposing syndrome. Last evaluated: 2023-03-23. Review status: criteria provided, single submitter. Criteria: Dines et al. (Genet Med. 2020). Collection method: curation. Allele origin: germline.
Comment: Missense variant in a coldspot region where missense variants are very unlikely to be pathogenic (PMID:31911673).

BRCA2 exon 11 coldspot. Reclassification based on statistical prior probability.

Labcorp Genetics (formerly Invitae), Labcorp
Classification: Uncertain significance for Hereditary breast ovarian cancer syndrome. Last evaluated: 2021-05-19. Review status: criteria provided, single submitter. Criteria: Invitae Variant Classification Sherloc (09022015). Collection method: clinical testing. Allele origin: germline.
Comment: In summary, the available evidence is currently insufficient to determine the role of this variant in disease. Therefore, it has been classified as a Variant of Uncertain Significance. Advanced modeling of protein sequence and biophysical properties (such as structural, functional, and spatial information, amino acid conservation, physicochemical variation, residue mobility, and thermodynamic stability) performed at Invitae indicates that this missense variant is not expected to disrupt BRCA2 protein function. This variant has not been reported in the literature in individuals with BRCA2-related conditions. This variant is not present in population databases (ExAC no frequency). This sequence change replaces alanine with valine at codon 1826 of the BRCA2 protein (p.Ala1826Val). The alanine residue is weakly conserved and there is a small physicochemical difference between alanine and valine.

NM_000059.4(BRCA2):c.5477C>T (p.Ala1826Val)

Gene: BRCA2 (BRCA2 DNA repair associated; plus strand). Cytogenetic location: 13q13.1.
Variant type: single nucleotide variant.
Coding change: c.5477C>T on transcript NM_000059.4 (MANE Select); coding-DNA position 5477, C replaced by T.
Protein change: p.Ala1826Val; replaces alanine 1826 with valine.
Molecular consequence: missense variant.
Genome position (GRCh38, 1-based): chr13:32,339,832, C>T. VCF-style: chr13-32339832-C-T. GRCh37 (hg19) VCF-style: chr13-32913969-C-T.
Other names: short protein forms A1826V.
Identifiers: ClinVar variation 1355052 (VCV001355052.9), dbSNP rs2137517885, ClinGen allele CA387785705.
Genomic context (GRCh38, chr13:32,339,832, plus strand): 5'-AAGATATTTGCGTTGAGGAACTTGTGACTAGCTCTTCACCCTGCAAAAATAAAAATGCAG[C>T]CATTAAATTGTCCATATCTAATAGTAATAATTTTGAGGTAGGGCCACCTGCATTTAGGAT-3'
Protein context (NP_000050.3, residues 1816-1836): SSSPCKNKNA[Ala1826Val]IKLSISNSNN